The following is an entry in ClinVar:

NM_001166114.2(PNPLA6):c.897C>A (p.Tyr299Ter)

Gene: PNPLA6 (patatin like domain 6, lysophospholipase; plus strand). Cytogenetic location: 19p13.2.
Variant type: single nucleotide variant.
Coding change: c.897C>A on transcript NM_001166114.2 (MANE Select); coding-DNA position 897, C replaced by A.
Protein change: p.Tyr299Ter; replaces tyrosine 299 with a stop codon.
Molecular consequence: nonsense.
Genome position (GRCh38, 1-based): chr19:7,541,024, C>A. VCF-style: chr19-7541024-C-A. GRCh37 (hg19) VCF-style: chr19-7605910-C-A.
Other names: c.924C>A, p.Tyr308Ter (NM_001166111.2); c.780C>A, p.Tyr260Ter (NM_001166112.2, NM_001166113.1, NM_006702.5); short protein forms Y260*, Y299*, Y308*.
Identifiers: ClinVar variation 1390532 (VCV001390532.6), dbSNP rs1568408269, ClinGen allele CA403106843.

ClinVar aggregate classification (germline): Pathogenic (1 of 4 stars; one submission).

Conditions:
Hereditary spastic paraplegia 39 (SPG39). Also called: SPASTIC PARAPLEGIA 39, AUTOSOMAL RECESSIVE; Spastic Paraplegia Type 39 (SPG39). Identifiers: Orphanet 139480, MedGen C2677586, MONDO:0012787, OMIM 612020.

Allele frequency attached by ClinVar (database versions not stated): gnomAD 0.00001.

Submission:

Labcorp Genetics (formerly Invitae), Labcorp
Classification: Pathogenic for Hereditary spastic paraplegia 39. Last evaluated: 2022-09-12. Review status: criteria provided, single submitter. Criteria: Invitae Variant Classification Sherloc (09022015). Collection method: clinical testing. Allele origin: germline.
Comment: For these reasons, this variant has been classified as Pathogenic. Algorithms developed to predict the effect of sequence changes on RNA splicing suggest that this variant may create or strengthen a splice site. ClinVar contains an entry for this variant (Variation ID: 1390532). This variant has not been reported in the literature in individuals affected with PNPLA6-related conditions. This variant is not present in population databases (gnomAD no frequency). This sequence change creates a premature translational stop signal (p.Tyr260*) in the PNPLA6 gene. It is expected to result in an absent or disrupted protein product. Loss-of-function variants in PNPLA6 are known to be pathogenic (PMID: 24355708).

Literature cited by the submitters: PubMed 24355708.